The following is an entry in ClinVar:

NM_198129.4(LAMA3):c.7460T>C (p.Met2487Thr)

Gene: LAMA3 (laminin subunit alpha 3; plus strand). Cytogenetic location: 18q11.2.
Variant type: single nucleotide variant.
Coding change: c.7460T>C on transcript NM_198129.4 (MANE Select); coding-DNA position 7460, T replaced by C.
Protein change: p.Met2487Thr; replaces methionine 2487 with threonine.
Molecular consequence: missense variant.
Genome position (GRCh38, 1-based): chr18:23,914,540, T>C. VCF-style: chr18-23914540-T-C. GRCh37 (hg19) VCF-style: chr18-21494504-T-C.
Other names: c.2633T>C, p.Met878Thr (NM_000227.6); c.7292T>C, p.Met2431Thr (NM_001127717.4); c.2465T>C, p.Met822Thr (NM_001127718.4); short protein forms M2431T, M2487T, M822T, M878T.
Identifiers: ClinVar variation 4688479 (VCV004688479.1).

ClinVar aggregate classification (germline): Uncertain significance (1 of 4 stars; one submission).

gnomAD v4.1: 16 of 1,614,208 alleles (0.00099%); highest among the groups gnomAD compares: East Asian, 0.031%; no homozygotes.

Submission:

Women's Health and Genetics/Laboratory Corporation of America, LabCorp
Classification: Uncertain significance. Last evaluated: 2025-12-31. Review status: criteria provided, single submitter. Criteria: LabCorp Variant Classification Summary - May 2015. Collection method: clinical testing. Allele origin: germline.
Comment: Variant summary: LAMA3 c.2633T>C (p.Met878Thr) results in a non-conservative amino acid change in the encoded protein sequence. Algorithms developed to predict the effect of missense changes on protein structure and function are either unavailable or do not agree on the potential impact of this missense change. The variant allele was found at a frequency of 2.8e-05 in 251264 control chromosomes. The available data on variant occurrences in the general population are insufficient to allow any conclusion about variant significance. To our knowledge, no occurrence of c.2633T>C in individuals affected with LAMA3-related conditions and no experimental evidence demonstrating its impact on protein function have been reported. No submitters have cited clinical-significance assessments for this variant to ClinVar. Based on the evidence outlined above, the variant was classified as uncertain significance.